The following is an entry in ClinVar:

ClinVar aggregate classification (germline): Uncertain significance. Review status: criteria provided, multiple submitters, no conflicts (2 of 4 stars). 2 submissions from 2 submitters: Uncertain significance (2). Last evaluated 2025-09-16.

Conditions:
EGFR-related lung cancer (EGFR). Identifiers: MedGen CN130014.
Hereditary cancer-predisposing syndrome. Also called: Neoplastic Syndromes, Hereditary; Tumor predisposition; Hereditary neoplastic syndrome; Hereditary Cancer Syndrome. Identifiers: Orphanet 140162, MedGen C0027672, MeSH D009386, MONDO:0015356.

Submissions (2):

Ambry Genetics
Classification: Uncertain significance for Hereditary cancer-predisposing syndrome. Last evaluated: 2025-09-16. Review status: criteria provided, single submitter. Criteria: Ambry Variant Classification Scheme 2023. Collection method: clinical testing. Allele origin: germline.
Comment: The p.D75A variant (also known as c.224A>C), located in coding exon 2 of the EGFR gene, results from an A to C substitution at nucleotide position 224. The aspartic acid at codon 75 is replaced by alanine, an amino acid with dissimilar properties. This amino acid position is well conserved in available vertebrate species. In addition, the in silico prediction for this alteration is inconclusive. Based on the available evidence, the clinical significance of this variant remains unclear.

Labcorp Genetics (formerly Invitae), Labcorp
Classification: Uncertain significance for EGFR-related lung cancer. Last evaluated: 2024-12-18. Review status: criteria provided, single submitter. Criteria: Invitae Variant Classification Sherloc (09022015). Collection method: clinical testing. Allele origin: germline.
Comment: This sequence change replaces aspartic acid, which is acidic and polar, with alanine, which is neutral and non-polar, at codon 75 of the EGFR protein (p.Asp75Ala). This variant is not present in population databases (gnomAD no frequency). This variant has not been reported in the literature in individuals affected with EGFR-related conditions. Invitae Evidence Modeling of protein sequence and biophysical properties (such as structural, functional, and spatial information, amino acid conservation, physicochemical variation, residue mobility, and thermodynamic stability) indicates that this missense variant is expected to disrupt EGFR protein function with a positive predictive value of 80%. In summary, the available evidence is currently insufficient to determine the role of this variant in disease. Therefore, it has been classified as a Variant of Uncertain Significance.

NM_005228.5(EGFR):c.224A>C (p.Asp75Ala)

Gene: EGFR (epidermal growth factor receptor; plus strand). Cytogenetic location: 7p11.2.
Variant type: single nucleotide variant.
Coding change: c.224A>C on transcript NM_005228.5 (MANE Select); coding-DNA position 224, A replaced by C.
Protein change: p.Asp75Ala; replaces aspartic acid 75 with alanine.
Molecular consequence: missense variant. On other transcripts: intron variant (1).
Genome position (GRCh38, 1-based): chr7:55,142,421, A>C. VCF-style: chr7-55142421-A-C. GRCh37 (hg19) VCF-style: chr7-55210114-A-C.
Other names: c.224A>C, p.Asp75Ala (NM_001346897.2, NM_001346898.2, NM_001346899.2 and 3 more transcripts); c.65A>C, p.Asp22Ala (NM_001346900.2); c.89-13409A>C (NM_001346941.2); short protein forms D22A, D75A.
Identifiers: ClinVar variation 3644158 (VCV003644158.3).
Genomic context (GRCh38, chr7:55,142,421, plus strand): 5'-TCAATAACTGTGAGGTGGTCCTTGGGAATTTGGAAATTACCTATGTGCAGAGGAATTATG[A>C]TCTTTCCTTCTTAAAGGTTGGTGACTTTGATTTTCCTACACAAATAAAATTGGAGAAAAT-3'
Protein context (NP_005219.2, residues 65-85): LEITYVQRNY[Asp75Ala]LSFLKTIQEV